The following is an entry in ClinVar:

NM_000097.7(CPOX):c.284A>G (p.His95Arg)

Genes: CPOX (coproporphyrinogen oxidase; minus strand), LOC129937121 (ATAC-STARR-seq lymphoblastoid silent region 14560; plus strand). Cytogenetic location: 3q11.2.
Variant type: single nucleotide variant.
Coding change: c.284A>G on transcript NM_000097.7 (MANE Select); coding-DNA position 284, A replaced by G.
Protein change: p.His95Arg; replaces histidine 95 with arginine.
Molecular consequence: missense variant.
Genome position (GRCh38, 1-based): chr3:98,593,221, T>C on the plus strand (A>G on the coding strand, the complement: CPOX is on the minus strand). VCF-style: chr3-98593221-T-C. GRCh37 (hg19) VCF-style: chr3-98312065-T-C.
Other names: p.His95Arg; c.284A>G, p.His95Arg (LRG_1077t1); short protein forms H95R.
Identifiers: ClinVar variation 346988 (VCV000346988.16), dbSNP rs192332456, ClinGen allele CA2511741.
Genomic context (GRCh38, chr3:98,593,221, plus strand): 5'-CTCCCCAGCGAAGTGGCCCGCGTCCCCGAGGTCTTAGGCAACATCTCCGCCCGCTGCACA[T>C]GCCCGAAGGCGGCGGTGGCCAGCCCCACCAACCCCGCCAGCGCCGCGGCCAGCCCTGTCC-3'
Protein context (NP_000088.3, residues 85-105): LVGLATAAFG[His95Arg]VQRAEMLPKT

ClinVar aggregate classification (germline): Benign. Review status: criteria provided, multiple submitters, no conflicts (2 of 4 stars). 4 submissions from 4 submitters: Benign (4). Last evaluated 2026-02-01.

Conditions:
Hereditary coproporphyria (HCP). Also called: Hereditary coproporphyria porphyria; Porphyria hepatica coproporphyria; Porphyria hepatica II; CPRO deficiency; COPROPORPHYRINOGEN OXIDASE DEFICIENCY; CPO DEFICIENCY. Identifiers: Orphanet 79273, MedGen C0162531, MONDO:0007369, OMIM 121300.

Allele frequency attached by ClinVar (database versions not stated): gnomAD exomes 0.00243; ExAC 0.00327; ESP Exome Variant Server 0.00614; gnomAD 0.00819; TOPMed 0.00897; 1000 Genomes Project 0.01178; 1000 Genomes Project 30x 0.01249.

Submissions (4):

Labcorp Genetics (formerly Invitae), Labcorp
Classification: Benign. Last evaluated: 2026-02-01. Review status: criteria provided, single submitter. Criteria: Invitae Variant Classification Sherloc (09022015). Collection method: clinical testing. Allele origin: germline.

Mayo Clinic Laboratories, Mayo Clinic
Classification: Benign. Last evaluated: 2023-02-03. Review status: criteria provided, single submitter. Criteria: ACMG Guidelines, 2015. Collection method: clinical testing. Allele origin: germline. Observed: 6 variant alleles.
Comment: BS1, BS2

Illumina Laboratory Services, Illumina
Classification: Benign for Hereditary coproporphyria. Last evaluated: 2018-01-12. Review status: criteria provided, single submitter. Criteria: ICSL Variant Classification Criteria 13 December 2019. Collection method: clinical testing. Allele origin: germline.
Comment: This variant was observed in the ICSL laboratory as part of a predisposition screen in an ostensibly healthy population. It had not been previously curated by ICSL or reported in the Human Gene Mutation Database (HGMD: prior to June 1st, 2018), and was therefore a candidate for classification through an automated scoring system. Utilizing variant allele frequency, disease prevalence and penetrance estimates, and inheritance mode, an automated score was calculated to assess if this variant is too frequent to cause the disease. Based on the score and internal cut-off values, a variant classified as benign is not then subjected to further curation. The score for this variant resulted in a classification of benign for this disease.

Breakthrough Genomics
Classification: Benign. Review status: criteria provided, single submitter. Criteria: ACMG Guidelines, 2015. Collection method: not provided. Allele origin: germline. Inheritance: Autosomal recessive inheritance. Affected: yes.